The following is an entry in ClinVar:

NM_000059.4(BRCA2):c.706C>T (p.His236Tyr)

Gene: BRCA2 (BRCA2 DNA repair associated; plus strand). Cytogenetic location: 13q13.1.
Variant type: single nucleotide variant.
Coding change: c.706C>T on transcript NM_000059.4 (MANE Select); coding-DNA position 706, C replaced by T.
Protein change: p.His236Tyr; replaces histidine 236 with tyrosine.
Molecular consequence: missense variant.
Genome position (GRCh38, 1-based): chr13:32,330,943, C>T. VCF-style: chr13-32330943-C-T. GRCh37 (hg19) VCF-style: chr13-32905080-C-T.
Other names: short protein forms H236Y.
Identifiers: ClinVar variation 1435008 (VCV001435008.8), dbSNP rs1359997059, ClinGen allele CA387759930.

ClinVar aggregate classification (germline): Uncertain significance (1 of 4 stars; one submission).

Conditions:
Hereditary breast ovarian cancer syndrome. Also called: Hereditary breast and ovarian cancer syndrome (HBOC); Breast and ovarian cancer; BRCA1- and BRCA2-Associated Hereditary Breast and Ovarian Cancer; Hereditary breast and/or ovarian cancer syndrome; Hereditary breast and ovarian cancer; Hereditary breast and ovarian cancer syndrome. Identifiers: Orphanet 145, MedGen C0677776, MeSH D061325, MONDO:0003582. Disease mechanism: loss of function.

Submission:

Labcorp Genetics (formerly Invitae), Labcorp
Classification: Uncertain significance for Hereditary breast ovarian cancer syndrome. Last evaluated: 2025-02-03. Review status: criteria provided, single submitter. Criteria: Invitae Variant Classification Sherloc (09022015). Collection method: clinical testing. Allele origin: germline.
Comment: This sequence change replaces histidine, which is basic and polar, with tyrosine, which is neutral and polar, at codon 236 of the BRCA2 protein (p.His236Tyr). This variant is not present in population databases (gnomAD no frequency). This variant has not been reported in the literature in individuals affected with BRCA2-related conditions. ClinVar contains an entry for this variant (Variation ID: 1435008). Invitae Evidence Modeling of protein sequence and biophysical properties (such as structural, functional, and spatial information, amino acid conservation, physicochemical variation, residue mobility, and thermodynamic stability) indicates that this missense variant is not expected to disrupt BRCA2 protein function with a negative predictive value of 95%. In summary, the available evidence is currently insufficient to determine the role of this variant in disease. Therefore, it has been classified as a Variant of Uncertain Significance.